The following is an entry in ClinVar:

ClinVar aggregate classification (germline): Uncertain significance. Review status: criteria provided, multiple submitters, no conflicts (2 of 4 stars). 3 submissions from 3 submitters: Uncertain significance (3). Last evaluated 2026-01-19.

Conditions:
Hereditary nonpolyposis colorectal neoplasms. Identifiers: MedGen C0009405, MeSH D003123.
Hereditary cancer-predisposing syndrome. Also called: Hereditary Cancer Syndrome; Hereditary neoplastic syndrome; Tumor predisposition; Neoplastic Syndromes, Hereditary. Identifiers: Orphanet 140162, MedGen C0027672, MeSH D009386, MONDO:0015356.

Submissions (3):

Labcorp Genetics (formerly Invitae), Labcorp
Classification: Uncertain significance for Hereditary nonpolyposis colorectal neoplasms. Last evaluated: 2026-01-19. Review status: criteria provided, single submitter. Criteria: Invitae Variant Classification Sherloc (09022015). Collection method: clinical testing. Allele origin: germline.
Comment: This sequence change replaces valine, which is neutral and non-polar, with phenylalanine, which is neutral and non-polar, at codon 796 of the PMS2 protein (p.Val796Phe). The frequency data for this variant in the population databases (gnomAD) is considered unreliable due to the presence of homologous sequence, such as pseudogenes or paralogs, in the genome. This variant has not been reported in the literature in individuals affected with PMS2-related conditions. ClinVar contains an entry for this variant (Variation ID: 1790499). Invitae Evidence Modeling incorporating data from in vitro experimental studies (internal data) indicates that this missense variant is not expected to disrupt PMS2 function with a negative predictive value of 95%. In summary, the available evidence is currently insufficient to determine the role of this variant in disease. Therefore, it has been classified as a Variant of Uncertain Significance.

Color Diagnostics, LLC DBA Color Health
Classification: Uncertain significance for Hereditary cancer-predisposing syndrome. Last evaluated: 2024-03-06. Review status: criteria provided, single submitter. Criteria: ACMG Guidelines, 2015. Collection method: clinical testing. Allele origin: germline.
Comment: This missense variant replaces valine with phenylalanine at codon 796 of the PMS2 protein. Computational prediction is inconclusive regarding the impact of this variant on protein structure and function (internally defined REVEL score threshold 0.5 < inconclusive < 0.7, PMID: 27666373). To our knowledge, functional studies have not been reported for this variant. This variant has not been reported in individuals affected with hereditary cancer in the literature. This variant has not been identified in the general population by the Genome Aggregation Database (gnomAD). The available evidence is insufficient to determine the role of this variant in disease conclusively. Therefore, this variant is classified as a Variant of Uncertain Significance.

Ambry Genetics
Classification: Uncertain significance for Hereditary cancer-predisposing syndrome. Last evaluated: 2022-07-08. Review status: criteria provided, single submitter. Criteria: Ambry Variant Classification Scheme 2023. Collection method: clinical testing. Allele origin: germline.
Comment: The p.V796F variant (also known as c.2386G>T), located in coding exon 14 of the PMS2 gene, results from a G to T substitution at nucleotide position 2386. The valine at codon 796 is replaced by phenylalanine, an amino acid with highly similar properties. This amino acid position is well conserved in available vertebrate species. In addition, the in silico prediction for this alteration is inconclusive. Since supporting evidence is limited at this time, the clinical significance of this alteration remains unclear.

NM_000535.7(PMS2):c.2386G>T (p.Val796Phe)

Gene: PMS2 (PMS1 homolog 2, mismatch repair system component; minus strand). Cytogenetic location: 7p22.1.
Variant type: single nucleotide variant.
Coding change: c.2386G>T on transcript NM_000535.7 (MANE Select); coding-DNA position 2386, G replaced by T.
Protein change: p.Val796Phe; replaces valine 796 with phenylalanine.
Molecular consequence: missense variant. On other transcripts: non-coding transcript variant (1).
Genome position (GRCh38, 1-based): chr7:5,977,647, C>A on the plus strand (G>T on the coding strand, the complement: PMS2 is on the minus strand). VCF-style: chr7-5977647-C-A. GRCh37 (hg19) VCF-style: chr7-6017278-C-A.
Other names: c.1981G>T, p.Val661Phe (NM_001018040.1, NM_001322003.2, NM_001322004.2 and 12 more transcripts); c.2230G>T, p.Val744Phe (NM_001322006.2); c.2068G>T, p.Val690Phe (NM_001322007.2, NM_001322008.2, NM_001406883.1); c.2014G>T, p.Val672Phe (NM_001322009.2, NM_001406887.1, NM_001406888.1); c.1825G>T, p.Val609Phe (NM_001322010.2, NM_001406906.1, NM_001406907.1); c.1453G>T, p.Val485Phe (NM_001322011.2, NM_001322012.2); c.1813G>T, p.Val605Phe (NM_001322013.2, NM_001406908.1, NM_001406909.1); c.2419G>T, p.Val807Phe (NM_001322014.2); and 20 more; short protein forms V395F, V539F, V557F, V605F, V674F, V684F, V755F, V485F.
Identifiers: ClinVar variation 1790499 (VCV001790499.5), dbSNP rs368737800, ClinGen allele CA366735736.